The following is an entry in ClinVar:

ClinVar aggregate classification (germline): Benign/Likely benign. Review status: criteria provided, multiple submitters, no conflicts (2 of 4 stars). 12 submissions from 12 submitters: Benign (4); Likely benign (6). 2 of the submissions do not count toward it. Last evaluated 2026-01-12.

Conditions:
Hereditary cancer-predisposing syndrome. Also called: Hereditary Cancer Syndrome; Tumor predisposition; Neoplastic Syndromes, Hereditary; Hereditary neoplastic syndrome. Identifiers: Orphanet 140162, MedGen C0027672, MeSH D009386, MONDO:0015356.
Ovarian cancer. Also called: OVARIAN CANCER, SOMATIC. Identifiers: Orphanet 213500, MedGen C1140680, MONDO:0008170, OMIM 167000.
Tuberous sclerosis syndrome (TSC). Also called: Tuberous Sclerosis Complex; Tuberous sclerosis. Identifiers: Orphanet 805, MedGen C0041341, MONDO:0001734.
Tuberous sclerosis 2 (TSC2). Identifiers: Orphanet 805, MedGen C1860707, MONDO:0013199, OMIM 613254.

Allele frequency attached by ClinVar (database versions not stated): ExAC 0.00005; TOPMed 0.00001; gnomAD exomes 0.00002 and 0.00003; gnomAD 0.00003.
gnomAD v4.1: 31 of 1,613,652 alleles (0.0019%); highest among the groups gnomAD compares: East Asian, 0.018%; no homozygotes.

Submissions (12):

Labcorp Genetics (formerly Invitae), Labcorp
Classification: Benign for Tuberous sclerosis 2. Last evaluated: 2026-01-12. Review status: criteria provided, single submitter. Criteria: Invitae Variant Classification Sherloc (09022015). Collection method: clinical testing. Allele origin: germline.

CeGaT Center for Human Genetics Tuebingen
Classification: Likely benign. Last evaluated: 2025-11-01. Review status: criteria provided, single submitter. Criteria: CeGaT Center For Human Genetics Tuebingen Variant Classification Criteria Version 2. Collection method: clinical testing. Allele origin: germline. Affected: yes. Observed: 1 variant allele.
Comment: TSC2: BP4

KCCC/NGS Laboratory, Kuwait Cancer Control Center
Classification: Benign for Tuberous sclerosis 2. Last evaluated: 2025-02-01. Review status: criteria provided, single submitter. Criteria: ACMG Guidelines, 2015. Collection method: clinical testing. Allele origin: germline. Affected: no.

Myriad Genetics, Inc.
Classification: Likely benign for Tuberous sclerosis 2. Last evaluated: 2024-08-26. Review status: criteria provided, single submitter. Criteria: Myriad Autosomal Dominant, Autosomal Recessive and X-Linked Classification Criteria (2023). Collection method: clinical testing. Allele origin: unknown.
Comment: This variant is considered likely benign. This variant has been observed at a population frequency that is significantly greater than expected given the associated disease prevalence and penetrance.

All of Us Research Program, National Institutes of Health
Classification: Benign for Tuberous sclerosis syndrome. Last evaluated: 2024-06-17. Review status: criteria provided, single submitter. Criteria: ACMG Guidelines, 2015. Collection method: clinical testing. Allele origin: germline. Inheritance: Autosomal dominant inheritance. Observed: 6 variant alleles, 6 heterozygotes.
Comment: This study involves interpretation of variants in research participants for the purpose of population health screening. Participant phenotype was not available at the time of variant classification. Additional details can be found in publication PMID: 35346344, PMCID: PMC8962531

Color Diagnostics, LLC DBA Color Health
Classification: Benign for Tuberous sclerosis syndrome. Last evaluated: 2022-08-16. Review status: criteria provided, single submitter. Criteria: ACMG Guidelines, 2015. Collection method: clinical testing. Allele origin: germline.

Genome-Nilou Lab
Classification: Likely benign for Tuberous sclerosis 2. Last evaluated: 2021-11-07. Review status: criteria provided, single submitter. Criteria: ACMG Guidelines, 2015. Collection method: clinical testing. Allele origin: germline. Affected: no.

Ambry Genetics
Classification: Likely benign for Hereditary cancer-predisposing syndrome. Last evaluated: 2021-11-04. Review status: criteria provided, single submitter. Criteria: Ambry Variant Classification Scheme 2023. Collection method: clinical testing. Allele origin: germline.

GeneDx
Classification: Likely benign. Last evaluated: 2021-04-20. Review status: criteria provided, single submitter. Criteria: GeneDx Variant Classification Process June 2021. Collection method: clinical testing. Allele origin: germline. Affected: yes.
Comment: This variant is associated with the following publications: (PMID: 18302728, 21309039)

Sema4
Classification: Likely benign for Hereditary cancer-predisposing syndrome. Last evaluated: 2021-04-12. Review status: criteria provided, single submitter. Criteria: Sema4 Curation Guidelines. Collection method: curation. Allele origin: germline.

Tuberous sclerosis database (TSC2)
No classification provided. Condition: TSC. Review status: no classification provided. Criteria: Tuberous Sclerosis Database Assertion Criteria 2015. Collection method: curation. Allele origin: germline. Affected: yes. Not counted in ClinVar's aggregate classification.

Laboratory of Molecular Epidemiology of Birth Defects, West China Second University Hospital, Sichuan University
Classification: Likely pathogenic for Ovarian cancer. Last evaluated: 2022-01-01. Review status: flagged submission. Criteria: ACMG Guidelines, 2015. Collection method: clinical testing. Allele origin: germline. Affected: yes. Not counted in ClinVar's aggregate classification.
ClinVar note: Reason: Outlier claim with insufficient supporting evidence

Literature cited by the submitters: PubMed 18302728 (cited by Ambry Genetics); PubMed 21309039 (cited by Ambry Genetics).

NM_000548.5(TSC2):c.586G>A (p.Ala196Thr)

Gene: TSC2 (TSC complex subunit 2; plus strand). Cytogenetic location: 16p13.3.
Variant type: single nucleotide variant.
Coding change: c.586G>A on transcript NM_000548.5 (MANE Select); coding-DNA position 586, G replaced by A.
Protein change: p.Ala196Thr; replaces alanine 196 with threonine.
Molecular consequence: missense variant. On other transcripts: intron variant (1).
Genome position (GRCh38, 1-based): chr16:2,055,506, G>A. VCF-style: chr16-2055506-G-A. GRCh37 (hg19) VCF-style: chr16-2105507-G-A.
Other names: p.A196T:GCA>ACA; c.586G>A, p.Ala196Thr (NM_001077183.3, NM_001114382.3, NM_001363528.2 and 3 more transcripts); c.475G>A, p.Ala159Thr (NM_001318827.2); c.439G>A, p.Ala147Thr (NM_001318829.2); c.619G>A, p.Ala207Thr (NM_001318832.2); c.-1-690G>A (NM_001318831.2); c.586G>A (NM_000548.4); short protein forms A196T, A147T, A159T, A207T.
Identifiers: ClinVar variation 49953 (VCV000049953.32), dbSNP rs45517113, ClinGen allele CA022594.